The following is an entry in ClinVar:

ClinVar aggregate classification (germline): Likely benign. Review status: criteria provided, multiple submitters, no conflicts (2 of 4 stars). 6 submissions from 6 submitters: Likely benign (3). 3 of the submissions do not count toward it. Last evaluated 2025-12-30.

Conditions:
Bardet-Biedl syndrome 1 (BBS1). Identifiers: MedGen C2936862, MONDO:0008854, OMIM 209900. Disease mechanism: loss of function.
Retinitis pigmentosa 55 (RP55). Identifiers: Orphanet 791, MedGen C3150808, MONDO:0013312, OMIM 613575.
Retinitis pigmentosa (RP). Identifiers: Orphanet 791, MedGen C0035334, MeSH D012174, MONDO:0019200, OMIM 268000. Inheritance: Autosomal dominant, autosomal recessive and X linked inheritance.
Bardet-Biedl syndrome 3 (BBS3). Identifiers: Orphanet 110, MedGen C1859564, MONDO:0010832, OMIM 600151.
ARL6-related disorder. Also called: ARL6-related condition.

Allele frequency attached by ClinVar (database versions not stated): gnomAD exomes 0.00006; TOPMed 0.00007; ESP Exome Variant Server 0.00008; gnomAD 0.00008 and 0.00009; ExAC 0.00009.

Submissions (6):

Labcorp Genetics (formerly Invitae), Labcorp
Classification: Likely benign for Retinitis pigmentosa 55; Bardet-Biedl syndrome 3. Last evaluated: 2025-12-30. Review status: criteria provided, single submitter. Criteria: Invitae Variant Classification Sherloc (09022015). Collection method: clinical testing. Allele origin: germline.

Blueprint Genetics
Classification: Likely benign. Last evaluated: 2024-09-03. Review status: criteria provided, single submitter. Criteria: ACMG Guidelines, 2015. Collection method: clinical testing. Allele origin: germline.

Fulgent Genetics
Classification: Likely benign for Bardet-Biedl syndrome 1; Retinitis pigmentosa; Bardet-Biedl syndrome 3; Retinitis pigmentosa 55. Last evaluated: 2021-11-19. Review status: criteria provided, single submitter. Criteria: ACMG Guidelines, 2015. Collection method: clinical testing. Allele origin: unknown.

PreventionGenetics, part of Exact Sciences
Classification: Likely benign for ARL6-related condition. Last evaluated: 2024-08-06. Review status: no assertion criteria provided. Collection method: clinical testing. Allele origin: germline. Not counted in ClinVar's aggregate classification.
Comment: This variant is classified as likely benign based on ACMG/AMP sequence variant interpretation guidelines (Richards et al. 2015 PMID: 25741868, with internal and published modifications).

Clinical Genetics DNA and cytogenetics Diagnostics Lab, Erasmus MC, Erasmus Medical Center
Classification: Likely benign. Review status: no assertion criteria provided. Collection method: clinical testing. Allele origin: germline. Affected: yes. Study: VKGL Data-share Consensus. Not counted in ClinVar's aggregate classification.

Clinical Genetics, Academic Medical Center
Classification: Benign. Review status: no assertion criteria provided. Collection method: clinical testing. Allele origin: germline. Affected: yes. Study: VKGL Data-share Consensus. Not counted in ClinVar's aggregate classification.

NM_001278293.3(ARL6):c.350-7C>T

Gene: ARL6 (ARF like GTPase 6; plus strand). Cytogenetic location: 3q11.2.
Variant type: single nucleotide variant.
Coding change: c.350-7C>T on transcript NM_001278293.3 (MANE Select); 7 bases into the intron before coding-DNA position 350, C replaced by T.
Molecular consequence: intron variant.
Genome position (GRCh38, 1-based): chr3:97,787,983, C>T. VCF-style: chr3-97787983-C-T. GRCh37 (hg19) VCF-style: chr3-97506827-C-T.
Other names: c.350-7C>T (NM_032146.5, NM_177976.3, NM_001323513.2 and 1 more transcripts).
Identifiers: ClinVar variation 696100 (VCV000696100.15), dbSNP rs375454860, ClinGen allele CA2505944.